The following is an entry in ClinVar:

NM_024642.5(GALNT12):c.903C>G (p.Pro301=)

Gene: GALNT12 (polypeptide N-acetylgalactosaminyltransferase 12; plus strand). Cytogenetic location: 9q22.33.
Variant type: single nucleotide variant.
Coding change: c.903C>G on transcript NM_024642.5 (MANE Select); coding-DNA position 903, C replaced by G.
Protein change: p.Pro301=; no amino-acid change (proline 301 retained).
Molecular consequence: synonymous variant.
Genome position (GRCh38, 1-based): chr9:98,831,943, C>G. VCF-style: chr9-98831943-C-G. GRCh37 (hg19) VCF-style: chr9-101594225-C-G.
Identifiers: ClinVar variation 416224 (VCV000416224.19), dbSNP rs191834824, ClinGen allele CA5154093.

ClinVar aggregate classification (germline): Benign/Likely benign. Review status: criteria provided, multiple submitters, no conflicts (2 of 4 stars). 5 submissions from 5 submitters: Benign (1); Likely benign (4). Last evaluated 2026-04-24.

Conditions:
Colorectal cancer, susceptibility to, 1. Also called: COLORECTAL ADENOMA AND CANCER, SUSCEPTIBILITY TO; COLORECTAL CANCER, SUSCEPTIBILITY TO, ON CHROMOSOME 9. Identifiers: MedGen C1837315, MONDO:0012132, OMIM 608812.

Allele frequency attached by ClinVar (database versions not stated): TOPMed 0.00010.
gnomAD v4.1: 147 of 1,613,686 alleles (0.0091%); highest among the groups gnomAD compares: Non-Finnish European, 0.011%; 1 homozygote.

Submissions (5):

Myriad Genetics, Inc.
Classification: Benign for Colorectal cancer, susceptibility to, 1. Last evaluated: 2026-04-24. Review status: criteria provided, single submitter. Criteria: Myriad Autosomal Dominant, Autosomal Recessive and X-Linked Classification Criteria (2023). Collection method: clinical testing. Allele origin: unknown.
Comment: This variant is considered benign. This variant is a silent/synonymous amino acid change and it is not expected to impact splicing.

Labcorp Genetics (formerly Invitae), Labcorp
Classification: Likely benign. Last evaluated: 2026-01-28. Review status: criteria provided, single submitter. Criteria: Invitae Variant Classification Sherloc (09022015). Collection method: clinical testing. Allele origin: germline.

Quest Diagnostics Nichols Institute San Juan Capistrano
Classification: Likely benign. Last evaluated: 2023-07-19. Review status: criteria provided, single submitter. Criteria: Quest Diagnostics criteria. Collection method: clinical testing. Allele origin: unknown.

Department of Pathology and Laboratory Medicine, Sinai Health System
Classification: Likely benign for Colorectal cancer, susceptibility to, 1. Last evaluated: 2022-12-22. Review status: criteria provided, single submitter. Criteria: ACMG Guidelines, 2015. Collection method: clinical testing. Allele origin: germline. Affected: yes.

Ambry Genetics
Classification: Likely benign. Last evaluated: 2017-04-03. Review status: criteria provided, single submitter. Criteria: Ambry Variant Classification Scheme 2023. Collection method: clinical testing. Allele origin: germline.